The following is an entry in ClinVar:

NM_001267550.2(TTN):c.69263_69264del (p.Thr23088fs)

Genes: TTN-AS1 (TTN antisense RNA 1; plus strand), TTN (titin; minus strand). Cytogenetic location: 2q31.2.
Variant type: Deletion.
Coding change: c.69263_69264del on transcript NM_001267550.2 (MANE Select); coding-DNA positions 69263 to 69264, 2 bases deleted (CA; older notation c.69263_69264delCA).
Protein change: p.Thr23088fs; shifts the reading frame from threonine 23088.
Molecular consequence: frameshift variant.
Genome position (GRCh38, 1-based): chr2:178,577,071-178,577,072, TG deleted on the plus strand (CA on the coding strand, the reverse complement: TTN is on the minus strand); deleting any 2 consecutive bases within chr2:178,577,071-178,577,073 gives the same sequence; the c. name uses the placement nearest the transcript's 3' end. VCF-style (leftmost placement, unchanged base first): chr2-178577070-CTG-C. GRCh37 (hg19) VCF-style: chr2-179441797-CTG-C.
Other names: c.64340_64341del, p.Thr21447fs (NM_001256850.1); c.42068_42069del, p.Thr14023fs (NM_003319.4); c.61559_61560del, p.Thr20520fs (NM_133378.4); c.42443_42444del, p.Thr14148fs (NM_133432.3); c.42644_42645del, p.Thr14215fs (NM_133437.4); short protein forms T14023fs, T14148fs, T14215fs, T20520fs, T21447fs, T23088fs.
Identifiers: ClinVar variation 3756419 (VCV003756419.2).
Genomic context (GRCh38, chr2:178,577,070, plus strand): 5'-CATTTCCTTGGATAAGTTTGGTTGCCACATGCCTGCAAGACTGAATATCTTCAGAAACCA[CTG>C]TCCACAAAAGTCGGCTGGTTTCTCTCTTTTCAAGTATATAGGACTTAATTGGTGAGCCGC-3'

ClinVar aggregate classification (germline): Likely pathogenic (1 of 4 stars; one submission).

Conditions:
Dilated cardiomyopathy 1G (CMD1G). Identifiers: Orphanet 154, MedGen C1858763, MONDO:0011400, OMIM 604145.
Autosomal recessive limb-girdle muscular dystrophy type 2J (LGMDR10). Also called: Limb-girdle muscular dystrophy, type 2J; MUSCULAR DYSTROPHY, LIMB-GIRDLE, AUTOSOMAL RECESSIVE 10. Identifiers: Orphanet 140922, MedGen C1837342, MONDO:0012127, OMIM 608807.

Submission:

Labcorp Genetics (formerly Invitae), Labcorp
Classification: Likely pathogenic for Dilated cardiomyopathy 1G; Autosomal recessive limb-girdle muscular dystrophy type 2J. Last evaluated: 2024-05-19. Review status: criteria provided, single submitter. Criteria: Invitae Variant Classification Sherloc (09022015). Collection method: clinical testing. Allele origin: germline.
Comment: This sequence change creates a premature translational stop signal (p.Thr23088Serfs*4) in the TTN gene. While this is not anticipated to result in nonsense mediated decay, it is expected to create a truncated TTN protein. This variant is not present in population databases (gnomAD no frequency). This variant has not been reported in the literature in individuals affected with TTN-related conditions. This variant is located in the A band of TTN (PMID: 25589632). Truncating variants in this region are significantly overrepresented in patients affected with dilated cardiomyopathy (PMID: 25589632). Truncating variants in this region have also been reported in individuals affected with autosomal recessive centronuclear myopathy (PMID: 23975875). In summary, the currently available evidence indicates that the variant is pathogenic, but additional data are needed to prove that conclusively. Therefore, this variant has been classified as Likely Pathogenic.

Literature cited by the submitters: PubMed 25589632; PubMed 23975875.